The following is an entry in ClinVar:

NM_152641.4(ARID2):c.2383G>A (p.Ala795Thr)

Gene: ARID2 (AT-rich interaction domain 2; plus strand). Cytogenetic location: 12q12.
Variant type: single nucleotide variant.
Coding change: c.2383G>A on transcript NM_152641.4 (MANE Select); coding-DNA position 2383, G replaced by A.
Protein change: p.Ala795Thr; replaces alanine 795 with threonine.
Molecular consequence: missense variant.
Genome position (GRCh38, 1-based): chr12:45,850,506, G>A. VCF-style: chr12-45850506-G-A. GRCh37 (hg19) VCF-style: chr12-46244289-G-A.
Other names: c.2383G>A, p.Ala795Thr (NM_001347839.2); short protein forms A795T.
Identifiers: ClinVar variation 4874744 (VCV004874744.2).

ClinVar aggregate classification (germline): Uncertain significance (1 of 4 stars; one submission).

Submission:

CeGaT Center for Human Genetics Tuebingen
Classification: Uncertain significance. Last evaluated: 2026-04-01. Review status: criteria provided, single submitter. Criteria: CeGaT Center For Human Genetics Tuebingen Variant Classification Criteria Version 2. Collection method: clinical testing. Allele origin: germline. Affected: yes. Observed: 1 variant allele.
Comment: ARID2: PM2, BP4